The following is an entry in ClinVar:

ClinVar aggregate classification (germline): Pathogenic (1 of 4 stars; one submission).

Conditions:
Hereditary diffuse gastric adenocarcinoma (HDGC). Also called: DIFFUSE GASTRIC AND LOBULAR BREAST CANCER SYNDROME. Identifiers: Orphanet 26106, MedGen C1708349, MONDO:0007648, OMIM 137215.

Submission:

Myriad Genetics, Inc.
Classification: Pathogenic for Hereditary diffuse gastric adenocarcinoma. Last evaluated: 2024-09-24. Review status: criteria provided, single submitter. Criteria: Myriad Autosomal Dominant, Autosomal Recessive and X-Linked Classification Criteria (2023). Collection method: clinical testing. Allele origin: unknown.
Comment: This variant is considered pathogenic. This variant creates a frameshift predicted to result in premature protein truncation.

NM_001903.5(CTNNA1):c.1350del (p.Arg451fs)

Gene: CTNNA1 (catenin alpha 1; plus strand). Cytogenetic location: 5q31.2.
Variant type: Deletion.
Coding change: c.1350del on transcript NM_001903.5 (MANE Select); coding-DNA position 1350, one base deleted (T; older notation c.1350delT).
Protein change: p.Arg451fs; shifts the reading frame from arginine 451.
Molecular consequence: frameshift variant. On other transcripts: 5 prime UTR variant (6), intron variant (3).
Genome position (GRCh38, 1-based): chr5:138,904,402, T deleted; the last of 2 consecutive T bases (chr5:138,904,401-138,904,402); deleting either gives the same sequence. VCF-style (leftmost placement, unchanged base first): chr5-138904400-GT-G. GRCh37 (hg19) VCF-style: chr5-138240089-GT-G.
Other names: c.1350del, p.Arg451fs (NM_001290307.3, NM_001323982.2, NM_001323983.1 and 2 more transcripts); c.1041del, p.Arg348fs (NM_001290309.3); c.981del, p.Arg328fs (NM_001290310.3); c.240del, p.Arg81fs (NM_001290312.1, NM_001323987.1, NM_001323988.1 and 17 more transcripts); c.-158del (NM_001324006.1, NM_001324007.1, NM_001324008.1 and 1 more transcripts); c.-4del (NM_001324012.1, NM_001324013.1); c.1297-13340del (NM_001323986.2); c.187-13340del (NM_001324011.1); and 1 more; short protein forms R328fs, R348fs, R451fs, R81fs.
Identifiers: ClinVar variation 3379285 (VCV003379285.1).